The following is an entry in ClinVar:

NM_000368.5(TSC1):c.2392-1del

Gene: TSC1 (TSC complex subunit 1; minus strand). Cytogenetic location: 9q34.13.
Variant type: Deletion.
Coding change: c.2392-1del on transcript NM_000368.5 (MANE Select); the canonical splice acceptor site of the intron before coding-DNA position 2392, one base deleted (G; older notation c.2392-1delG).
Molecular consequence: splice acceptor variant.
Genome position (GRCh38, 1-based): chr9:132,901,700, C deleted on the plus strand (G on the coding strand, the reverse complement: TSC1 is on the minus strand). VCF-style (leftmost placement, unchanged base first): chr9-132901699-TC-T. GRCh37 (hg19) VCF-style: chr9-135777086-TC-T.
Other names: c.2026-1del (NM_001406620.1, NM_001406625.1, NM_001406621.1 and 2 more transcripts); c.2029-1del (NM_001406618.1, NM_001406617.1, NM_001406619.1 and 5 more transcripts); c.2236-1del (NM_001406613.1, NM_001406612.1, NM_001406611.1); c.2239-1del (NM_001406610.1, NM_001162427.2); c.1438-1del (NM_001406627.1, NM_001406628.1); c.1339-1del (NM_001406629.1, NM_001406630.1); c.2374-1del (NM_001406603.1, NM_001406604.1); c.2389-1del (NM_001406609.1, NM_001406597.1, NM_001406600.1 and 4 more transcripts); and 3 more.
Identifiers: ClinVar variation 1495420 (VCV001495420.8), dbSNP rs2131710574, ClinGen allele CA2573144219.

ClinVar aggregate classification (germline): Likely pathogenic (1 of 4 stars; one submission).

Conditions:
Tuberous sclerosis 1 (TSC1). Identifiers: Orphanet 805, MedGen C1854465, MONDO:0008612, OMIM 191100.

Submission:

Labcorp Genetics (formerly Invitae), Labcorp
Classification: Likely pathogenic for Tuberous sclerosis 1. Last evaluated: 2021-06-22. Review status: criteria provided, single submitter. Criteria: Invitae Variant Classification Sherloc (09022015). Collection method: clinical testing. Allele origin: germline.
Comment: Algorithms developed to predict the effect of sequence changes on RNA splicing suggest that this variant may disrupt the consensus splice site, but this prediction has not been confirmed by published transcriptional studies. In summary, the currently available evidence indicates that the variant is pathogenic, but additional data are needed to prove that conclusively. Therefore, this variant has been classified as Likely Pathogenic. This variant has not been reported in the literature in individuals with TSC1-related conditions. This variant is not present in population databases (ExAC no frequency). This sequence change affects a splice site in intron 18 of the TSC1 gene. It is expected to disrupt RNA splicing. Variants that disrupt the donor or acceptor splice site typically lead to a loss of protein function (PMID: 16199547), and loss-of-function variants in TSC1 are known to be pathogenic (PMID: 10227394, 17304050).

Literature cited by the submitters: PubMed 16199547; PubMed 10227394; PubMed 17304050.